The following is an entry in ClinVar:

NM_144498.4(OSBPL2):c.1300C>T (p.Arg434Trp)

Gene: OSBPL2 (oxysterol binding protein like 2; plus strand). Cytogenetic location: 20q13.33.
Variant type: single nucleotide variant.
Coding change: c.1300C>T on transcript NM_144498.4 (MANE Select); coding-DNA position 1300, C replaced by T.
Protein change: p.Arg434Trp; replaces arginine 434 with tryptophan.
Molecular consequence: missense variant. On other transcripts: synonymous variant (1).
Genome position (GRCh38, 1-based): chr20:62,291,753, C>T. VCF-style: chr20-62291753-C-T. GRCh37 (hg19) VCF-style: chr20-60866809-C-T.
Other names: c.900C>T, p.His300= (NM_001278649.3); c.1024C>T, p.Arg342Trp (NM_001363878.2); c.1264C>T, p.Arg422Trp (NM_014835.5); short protein forms R422W, R434W, R342W.
Identifiers: ClinVar variation 2523831 (VCV002523831.4), dbSNP rs752796549, ClinGen allele CA9938774.

ClinVar aggregate classification (germline): Uncertain significance. Review status: criteria provided, multiple submitters, no conflicts (2 of 4 stars). 2 submissions from 2 submitters: Uncertain significance (2). Last evaluated 2025-03-27.

Conditions:
Inborn genetic diseases. Identifiers: MedGen C0950123, MeSH D030342.

Allele frequency attached by ClinVar (database versions not stated): gnomAD 0.00001; gnomAD exomes 0.00001; TOPMed 0.00001.
gnomAD v4.1: 11 of 1,613,284 alleles (0.00068%); highest among the groups gnomAD compares: East Asian, 0.0045%; no homozygotes.

Submissions (2):

Labcorp Genetics (formerly Invitae), Labcorp
Classification: Uncertain significance. Last evaluated: 2025-03-27. Review status: criteria provided, single submitter. Criteria: Invitae Variant Classification Sherloc (09022015). Collection method: clinical testing. Allele origin: germline.
Comment: This sequence change replaces arginine, which is basic and polar, with tryptophan, which is neutral and slightly polar, at codon 434 of the OSBPL2 protein (p.Arg434Trp). This variant is present in population databases (rs752796549, gnomAD 0.01%). This variant has not been reported in the literature in individuals affected with OSBPL2-related conditions. ClinVar contains an entry for this variant (Variation ID: 2523831). An algorithm developed to predict the effect of missense changes on protein structure and function (PolyPhen-2) suggests that this variant is likely to be disruptive. In summary, the available evidence is currently insufficient to determine the role of this variant in disease. Therefore, it has been classified as a Variant of Uncertain Significance.

Ambry Genetics
Classification: Uncertain significance for Inborn genetic diseases. Last evaluated: 2023-04-26. Review status: criteria provided, single submitter. Criteria: Ambry Variant Classification Scheme 2023. Collection method: clinical testing. Allele origin: germline.